The following is an entry in ClinVar:

ClinVar aggregate classification (germline): Likely pathogenic (1 of 4 stars; one submission).

Conditions:
Mucopolysaccharidosis, MPS-III-A (MPS3A). Also called: Mucopolysaccharidosis, type IIIA; mucopolysaccharidosis type 3A; MPS IIIA (Sanfilippo Syndrome Type A); HEPARAN SULFATE SULFATASE DEFICIENCY; SANFILIPPO SYNDROME A; SULFAMIDASE DEFICIENCY. Identifiers: Orphanet 581, Orphanet 79269, MedGen C0086647, MONDO:0009655, OMIM 252900.

Submission:

Natera, Inc.
Classification: Likely pathogenic for Mucopolysaccharidosis type IIIA. Last evaluated: 2024-06-12. Review status: criteria provided, single submitter. Criteria: Natera Variant Classification Schema (03/2026). Collection method: clinical testing. Allele origin: germline.
Comment: The c.1384G>T variant in SGSH is a nonsense variant predicted to introduce a stop codon at amino acid 462. This variant is expected to result in nonsense mediated decay, truncation, or a dysfunctional protein product. This variant is rare in the general population with a frequency below the threshold expected for the associated phenotype(s). Given the available evidence, this variant is classified as Likely Pathogenic.

NM_000199.5(SGSH):c.1384G>T (p.Glu462Ter)

Gene: SGSH (N-sulfoglucosamine sulfohydrolase; minus strand). Cytogenetic location: 17q25.3.
Variant type: single nucleotide variant.
Coding change: c.1384G>T on transcript NM_000199.5 (MANE Select); coding-DNA position 1384, G replaced by T.
Protein change: p.Glu462Ter; replaces glutamic acid 462 with a stop codon.
Molecular consequence: nonsense. On other transcripts: 3 prime UTR variant (2), non-coding transcript variant (1).
Genome position (GRCh38, 1-based): chr17:80,210,577, C>A on the plus strand (G>T on the coding strand, the complement: SGSH is on the minus strand). VCF-style: chr17-80210577-C-A. GRCh37 (hg19) VCF-style: chr17-78184376-C-A.
Other names: c.*471G>T (NM_001352921.3); c.*434G>T (NM_001352922.2); short protein forms E462*.
Identifiers: ClinVar variation 4817906 (VCV004817906.1).
Genomic context (GRCh38, chr17:80,210,577, plus strand): 5'-CGCACACCCAGGGGTCGTGGGTCTCCCACTGCCACTTGGCCAGCTGGTCCCGAAGCATCT[C>A]CAGAAGCTGAGCAAAGCGCGGGTCGGTGGCCAGGTTCTGGGTCTCGTGGGGGTCCCGGCT-3'